The following is an entry in ClinVar:

NM_001368397.1(FRMPD4):c.3677_3686inv (p.Ser1226_Ser1229delinsThrAlaThrAla)

Gene: FRMPD4 (FERM and PDZ domain containing 4; plus strand). Cytogenetic location: Xp22.2.
Variant type: Inversion.
Coding change: c.3677_3686inv on transcript NM_001368397.1 (MANE Select).
Protein change: p.Ser1226_Ser1229delinsThrAlaThrAla.
Molecular consequence: missense variant.
Genome position: GRCh38 VCF-style: chrX-12718503-GCAGTGGCAG-CTGCCACTGC. GRCh37 (hg19) VCF-style: chrX-12736622-GCAGTGGCAG-CTGCCACTGC.
Other names: c.3677_3686delinsCTGCCACTGC (NM_014728.3); c.3788_3797inv, p.Ser1263_Ser1266delinsThrAlaThrAla (NM_001368395.3, NM_001368398.3); c.3683_3692inv, p.Ser1228_Ser1231delinsThrAlaThrAla (NM_001368396.3); c.3668_3677inv, p.Ser1223_Ser1226delinsThrAlaThrAla (NM_001368399.3); c.3557_3566inv, p.Ser1186_Ser1189delinsThrAlaThrAla (NM_001368400.3); c.3653_3662inv, p.Ser1218_Ser1221delinsThrAlaThrAla (NM_001368401.1, NM_001368402.3); c.3677_3686inv, p.Ser1226_Ser1229delinsThrAlaThrAla (NM_014728.3).
Identifiers: ClinVar variation 1315166 (VCV001315166.2), ClinGen allele CA2573055099.

ClinVar aggregate classification (germline): Uncertain significance (1 of 4 stars; one submission).

Submission:

GeneDx
Classification: Uncertain significance. Last evaluated: 2020-02-18. Review status: criteria provided, single submitter. Criteria: GeneDx Variant Classification Process June 2021. Collection method: clinical testing. Allele origin: germline. Affected: yes.
Comment: In-frame deletion of 4 amino acids and insertion of 4 incorrect amino acids in a non-repeat region; Not observed in large population cohorts (Lek et al., 2016); In silico analysis supports a deleterious effect on protein structure/function; Has not been previously published as pathogenic or benign to our knowledge